The following is an entry in ClinVar:

ClinVar aggregate classification (germline): Uncertain significance (1 of 4 stars; one submission).

Allele frequency attached by ClinVar (database versions not stated): gnomAD exomes below 0.00001; ExAC 0.00001; gnomAD 0.00001; TOPMed 0.00001.
gnomAD v4.1: 2 of 1,613,788 alleles (0.00012%); highest among the groups gnomAD compares: African/African-American, 0.0013%; no homozygotes.

Submission:

Labcorp Genetics (formerly Invitae), Labcorp
Classification: Uncertain significance. Last evaluated: 2021-09-01. Review status: criteria provided, single submitter. Criteria: Invitae Variant Classification Sherloc (09022015). Collection method: clinical testing. Allele origin: germline.
Comment: This sequence change replaces arginine with glycine at codon 185 of the PLAA protein (p.Arg185Gly). The arginine residue is moderately conserved and there is a moderate physicochemical difference between arginine and glycine. This variant is present in population databases (rs750196251, ExAC 0.002%). This variant has not been reported in the literature in individuals affected with PLAA-related conditions. Algorithms developed to predict the effect of missense changes on protein structure and function (SIFT, PolyPhen-2, Align-GVGD) all suggest that this variant is likely to be tolerated. In summary, the available evidence is currently insufficient to determine the role of this variant in disease. Therefore, it has been classified as a Variant of Uncertain Significance.

NM_001031689.3(PLAA):c.553A>G (p.Arg185Gly)

Gene: PLAA (phospholipase A2 activating protein; minus strand). Cytogenetic location: 9p21.2.
Variant type: single nucleotide variant.
Coding change: c.553A>G on transcript NM_001031689.3 (MANE Select); coding-DNA position 553, A replaced by G.
Protein change: p.Arg185Gly; replaces arginine 185 with glycine.
Molecular consequence: missense variant.
Genome position (GRCh38, 1-based): chr9:26,928,112, T>C on the plus strand (A>G on the coding strand, the complement: PLAA is on the minus strand). VCF-style: chr9-26928112-T-C. GRCh37 (hg19) VCF-style: chr9-26928110-T-C.
Other names: c.553A>G, p.Arg185Gly (NM_001321546.2); short protein forms R185G.
Identifiers: ClinVar variation 1356264 (VCV001356264.5), dbSNP rs750196251, ClinGen allele CA5014611.
Genomic context (GRCh38, chr9:26,928,112, plus strand): 5'-GCAAATAAAAAGCAATGATATTATAAAACTTGTCTACCCTGATCTTACCTGAAAAAGTCC[T>C]CTCACATCTTCCAGCCTTCCACAGTTTAACAGTCTTGTCTGCTGATCCAGTCAACATTAA-3'
Protein context (NP_001026859.1, residues 175-195): VKLWKAGRCE[Arg185Gly]TFSGHEDCVR